The following is an entry in ClinVar:

NM_001204.7(BMPR2):c.139G>C (p.Gly47Arg)

Gene: BMPR2 (bone morphogenetic protein receptor type 2; plus strand). Cytogenetic location: 2q33.1.
Variant type: single nucleotide variant.
Coding change: c.139G>C on transcript NM_001204.7 (MANE Select); coding-DNA position 139, G replaced by C.
Protein change: p.Gly47Arg; replaces glycine 47 with arginine.
Molecular consequence: missense variant.
Genome position (GRCh38, 1-based): chr2:202,464,871, G>C. VCF-style: chr2-202464871-G-C. GRCh37 (hg19) VCF-style: chr2-203329594-G-C.
Other names: short protein forms G47R.
Identifiers: ClinVar variation 4855395 (VCV004855395.1).

ClinVar aggregate classification (germline): Uncertain significance (1 of 4 stars; one submission).

Conditions:
Pulmonary hypertension, primary, 1 (PPH1). Also called: Pulmonary hypertension, familial primary, 1, with or without HHT. Identifiers: Orphanet 422, MedGen C4552070, MONDO:0024533, OMIM 178600.

Submission:

3billion
Classification: Uncertain significance for Pulmonary hypertension, primary, 1. Last evaluated: 2026-01-12. Review status: criteria provided, single submitter. Criteria: ACMG Guidelines, 2015. Collection method: clinical testing. Allele origin: germline. Affected: yes.
Comment: The variant is not observed in the gnomAD v4.1.0 dataset. Predicted Consequence/Location: Missense variant. The majority of the known disease-causing variants of this gene are variants expected to result in premature termination of the protein. In silico tool predictions suggest damaging effect of the variant on gene or gene product [REVEL: 0.62 (>=0.6, sensitivity 0.68 and specificity 0.92); 3Cnet: 0.99 (> 0.75, sensitivity 0.96 and precision 0.92)]. A different missense change at the same codon (p.Gly47Asp) has been reported to be associated with BMPR2-related disorder (ClinVar ID: VCV000425707 /PMID: 15358693). However the evidence of pathogenicity is insufficient at this time. Therefore, this variant is classified as VUS according to the recommendation of ACMG/AMP guideline.

Literature cited by the submitters: PubMed 15358693.